The following is an entry in ClinVar:

NM_003738.5(PTCH2):c.1425G>A (p.Ala475=)

Gene: PTCH2 (patched 2; minus strand). Cytogenetic location: 1p34.1.
Variant type: single nucleotide variant.
Coding change: c.1425G>A on transcript NM_003738.5 (MANE Select); coding-DNA position 1425, G replaced by A.
Protein change: p.Ala475=; no amino-acid change (alanine 475 retained).
Molecular consequence: synonymous variant.
Genome position (GRCh38, 1-based): chr1:44,829,021, C>T on the plus strand (G>A on the coding strand, the complement: PTCH2 is on the minus strand). VCF-style: chr1-44829021-C-T. GRCh37 (hg19) VCF-style: chr1-45294693-C-T.
Other names: c.1425G>A, p.Ala475= (NM_001166292.2).
Identifiers: ClinVar variation 239554 (VCV000239554.42), dbSNP rs35851686, ClinGen allele CA823311.

ClinVar aggregate classification (germline): Benign/Likely benign. Review status: criteria provided, multiple submitters, no conflicts (2 of 4 stars). 6 submissions from 5 submitters: Benign (3); Likely benign (2). 1 of the submissions does not count toward it. Last evaluated 2026-07-01.

Conditions:
Basal cell nevus syndrome 1 (BCNS1). Also called: GORLIN-GOLTZ SYNDROME; MULTIPLE BASAL CELL NEVI, ODONTOGENIC KERATOCYSTS, AND SKELETAL ANOMALIES. Identifiers: MedGen CN376810, MONDO:0958174, OMIM 109400.
Basal cell carcinoma, susceptibility to, 1. Also called: BCC1. Identifiers: MedGen C2751544, MONDO:0011556, OMIM 605462.
Gorlin syndrome. Also called: Nevoid Basal Cell Carcinoma Syndrome; Basal cell nevus syndrome. Identifiers: Orphanet 377, MedGen C0004779, MONDO:0007187.
PTCH2-related disorder. Also called: PTCH2-related condition; PTCH2-related disease.

Allele frequency attached by ClinVar (database versions not stated): 1000 Genomes Project 30x 0.00047; 1000 Genomes Project 0.00060; ESP Exome Variant Server 0.00123; TOPMed 0.00131; gnomAD exomes 0.00146; gnomAD 0.00149 and 0.00152; ExAC 0.00358.
gnomAD v4.1: 3,286 of 1,578,544 alleles (0.21%); highest among the groups gnomAD compares: Non-Finnish European, 0.25%; 2 homozygotes.

Submissions (6):

CeGaT Center for Human Genetics Tuebingen
Classification: Likely benign. Last evaluated: 2026-07-01. Review status: criteria provided, single submitter. Criteria: CeGaT Center For Human Genetics Tuebingen Variant Classification Criteria Version 2. Collection method: clinical testing. Allele origin: germline. Affected: yes. Observed: 18 variant alleles.
Comment: PTCH2: BP4, BP7

Labcorp Genetics (formerly Invitae), Labcorp
Classification: Benign for Gorlin syndrome. Last evaluated: 2026-02-03. Review status: criteria provided, single submitter. Criteria: Invitae Variant Classification Sherloc (09022015). Collection method: clinical testing. Allele origin: germline.

KCCC/NGS Laboratory, Kuwait Cancer Control Center
Classification: Benign for Basal cell nevus syndrome 1. Last evaluated: 2025-02-01. Review status: criteria provided, single submitter. Criteria: ACMG Guidelines, 2015. Collection method: clinical testing. Allele origin: germline. Affected: no.

Blueprint Genetics
Classification: Likely benign. Last evaluated: 2024-11-13. Review status: criteria provided, single submitter. Criteria: ACMG Guidelines, 2015. Collection method: clinical testing. Allele origin: germline.

KCCC/NGS Laboratory, Kuwait Cancer Control Center
Classification: Benign for Basal cell carcinoma, susceptibility to, 1. Last evaluated: 2023-07-07. Review status: criteria provided, single submitter. Criteria: ACMG Guidelines, 2015. Collection method: clinical testing. Allele origin: germline. Affected: yes.

PreventionGenetics, part of Exact Sciences
Classification: Likely benign for PTCH2-related condition. Last evaluated: 2019-10-28. Review status: no assertion criteria provided. Collection method: clinical testing. Allele origin: germline. Not counted in ClinVar's aggregate classification.
Comment: This variant is classified as likely benign based on ACMG/AMP sequence variant interpretation guidelines (Richards et al. 2015 PMID: 25741868, with internal and published modifications).